The following is an entry in ClinVar:

ClinVar aggregate classification (germline): Likely benign (1 of 4 stars; one submission).

Conditions:
AP1S3-related disorder. Also called: AP1S3-related condition.

Submission:

PreventionGenetics, part of Exact Sciences
Classification: Likely benign for AP1S3-related condition. Last evaluated: 2026-05-11. Review status: criteria provided, single submitter. Criteria: ACMG Guidelines, 2015. Collection method: clinical testing. Allele origin: germline.
Comment: This variant is classified as likely benign based on ACMG/AMP sequence variant interpretation guidelines (Richards et al. 2015 PMID: 25741868, with internal and published modifications).

NM_001039569.2(AP1S3):c.354A>G (p.Ile118Met)

Gene: AP1S3 (adaptor related protein complex 1 subunit sigma 3; minus strand). Cytogenetic location: 2q36.1.
Variant type: single nucleotide variant.
Coding change: c.354A>G on transcript NM_001039569.2 (MANE Select); coding-DNA position 354, A replaced by G.
Protein change: p.Ile118Met; replaces isoleucine 118 with methionine.
Molecular consequence: missense variant. On other transcripts: non-coding transcript variant (2).
Genome position (GRCh38, 1-based): chr2:223,765,288, T>C on the plus strand (A>G on the coding strand, the complement: AP1S3 is on the minus strand). VCF-style: chr2-223765288-T-C. GRCh37 (hg19) VCF-style: chr2-224630005-T-C.
Other names: short protein forms I118M.
Identifiers: ClinVar variation 4984780 (VCV004984780.1).